The following is an entry in ClinVar:

ClinVar aggregate classification (germline): Uncertain significance (1 of 4 stars; one submission).

Conditions:
Hereditary cancer-predisposing syndrome. Also called: Hereditary Cancer Syndrome; Neoplastic Syndromes, Hereditary; Tumor predisposition; Hereditary neoplastic syndrome. Identifiers: Orphanet 140162, MedGen C0027672, MeSH D009386, MONDO:0015356.

Submission:

Ambry Genetics
Classification: Uncertain significance for Hereditary cancer-predisposing syndrome. Last evaluated: 2019-11-04. Review status: criteria provided, single submitter. Criteria: Ambry Variant Classification Scheme 2023. Collection method: clinical testing. Allele origin: germline.
Comment: The p.I1629S variant (also known as c.4886T>G), located in coding exon 34 of the SMARCA4 gene, results from a T to G substitution at nucleotide position 4886. The isoleucine at codon 1629 is replaced by serine, an amino acid with dissimilar properties. This amino acid position is highly conserved in available vertebrate species. In addition, the in silico prediction for this alteration is inconclusive. Since supporting evidence is limited at this time, the clinical significance of this alteration remains unclear.

NM_003072.5(SMARCA4):c.4790T>G (p.Ile1597Ser)

Gene: SMARCA4 (SWI/SNF related BAF chromatin remodeling complex subunit ATPase 4; plus strand). Cytogenetic location: 19p13.2.
Variant type: single nucleotide variant.
Coding change: c.4790T>G on transcript NM_003072.5 (MANE Select); coding-DNA position 4790, T replaced by G.
Protein change: p.Ile1597Ser; replaces isoleucine 1597 with serine.
Molecular consequence: missense variant. On other transcripts: non-coding transcript variant (1).
Genome position (GRCh38, 1-based): chr19:11,060,066, T>G. VCF-style: chr19-11060066-T-G. GRCh37 (hg19) VCF-style: chr19-11170742-T-G.
Other names: c.4790T>G, p.Ile1597Ser (NM_001128844.3); c.4700T>G, p.Ile1567Ser (NM_001128845.2); c.4697T>G, p.Ile1566Ser (NM_001128846.2); c.4691T>G, p.Ile1564Ser (NM_001128847.4, NM_001374457.1); c.4688T>G, p.Ile1563Ser (NM_001128848.2); c.4886T>G, p.Ile1629Ser (NM_001128849.3, NM_001387283.1); c.4787T>G, p.Ile1596Ser (NM_001411150.1); short protein forms I1564S, I1567S, I1597S, I1629S, I1566S, I1596S, I1563S.
Identifiers: ClinVar variation 1743820 (VCV001743820.2), dbSNP rs2147123907, ClinGen allele CA404080345.
Genomic context (GRCh38, chr19:11,060,066, plus strand): 5'-CAGAGCTCAAGGCTGTCTTTCCCTCCCGGTCCCCTCCAGCTCGGTCCGTCAAAGTGAAGA[T>G]CAAGCTTGGCCGGAAGGAGAAGGCACAGGACCGGCTGAAGGGCGGCCGGCGGCGGCCGAG-3'
Protein context (NP_003063.2, residues 1587-1607): ESESRSVKVK[Ile1597Ser]KLGRKEKAQD